The following is an entry in ClinVar:

NM_019098.5(CNGB3):c.1782-3723_2103+739del

Gene: CNGB3 (cyclic nucleotide gated channel subunit beta 3; minus strand). Cytogenetic location: 8q21.3.
Variant type: Deletion.
Coding change: c.1782-3723_2103+739del on transcript NM_019098.5 (MANE Select); 3723 bases into the intron before coding-DNA position 1782 through 739 bases into the intron after coding-DNA position 2103, 5,026 bases deleted.
Molecular consequence: splice acceptor variant, splice donor variant.
Genome position (GRCh38, 1-based): chr8:86,577,950-86,582,975, 5,026 bases deleted. GRCh37 (hg19): chr8:87,590,194-87,595,219.
Identifiers: ClinVar variation 427721 (VCV000427721.1), ClinGen allele CA645372461.

ClinVar aggregate classification (germline): Pathogenic (0 of 4 stars; one submission).

Conditions:
Achromatopsia 3 (ACHM3). Also called: PINGELAPESE BLINDNESS; TOTAL COLORBLINDNESS WITH MYOPIA; ROD MONOCHROMACY 1; ROD MONOCHROMATISM 1; ACHROMATOPSIA WITH MYOPIA. Identifiers: Orphanet 49382, MedGen C1849792, MONDO:0009875, OMIM 262300.

Submission:

Molecular Genetics Laboratory, Institute for Ophthalmic Research
Classification: Pathogenic for ACHM3. Last evaluated: 2017-03-27. Review status: no assertion criteria provided. Collection method: research. Allele origin: germline. Affected: yes.
Comment: Deletion of exon 16-17

Literature cited by the submitters: PubMed 28795510.